The following is an entry in ClinVar:

NM_001927.4(DES):c.710C>T (p.Ala237Val)

Gene: DES (desmin; plus strand). Cytogenetic location: 2q35.
Variant type: single nucleotide variant.
Coding change: c.710C>T on transcript NM_001927.4 (MANE Select); coding-DNA position 710, C replaced by T.
Protein change: p.Ala237Val; replaces alanine 237 with valine.
Molecular consequence: missense variant.
Genome position (GRCh38, 1-based): chr2:219,420,321, C>T. VCF-style: chr2-219420321-C-T. GRCh37 (hg19) VCF-style: chr2-220285043-C-T.
Other names: c.710C>T (NM_001927.3); short protein forms A237V.
Identifiers: ClinVar variation 2147095 (VCV002147095.5), dbSNP rs374144840, ClinGen allele CA2125132.

ClinVar aggregate classification (germline): Uncertain significance. Review status: criteria provided, multiple submitters, no conflicts (2 of 4 stars). 2 submissions from 2 submitters: Uncertain significance (2). Last evaluated 2026-01-14.

Conditions:
Cardiovascular phenotype. Identifiers: MedGen CN230736.
Desmin-related myofibrillar myopathy (MFM1). Also called: Desminopathy; MYOFIBRILLAR MYOPATHY WITH ARRHYTHMOGENIC RIGHT VENTRICULAR CARDIOMYOPATHY; DESMIN-RELATED MYOPATHY WITH ARRHYTHMOGENIC RIGHT VENTRICULAR CARDIOMYOPATHY; Myofibrillar myopathy 1; Desmin related myopathy (former name); Desmin storage myopathy (former name). Identifiers: Orphanet 363543, Orphanet 98909, MedGen C1832370, MONDO:0011076, OMIM 601419.

Allele frequency attached by ClinVar (database versions not stated): ExAC 0.00001; gnomAD 0.00001; TOPMed 0.00001; ESP Exome Variant Server 0.00008.
gnomAD v4.1: 3 of 1,614,100 alleles (0.00019%); highest among the groups gnomAD compares: South Asian, 0.0011%; no homozygotes.

Submissions (2):

Labcorp Genetics (formerly Invitae), Labcorp
Classification: Uncertain significance for Desmin-related myofibrillar myopathy. Last evaluated: 2026-01-14. Review status: criteria provided, single submitter. Criteria: Invitae Variant Classification Sherloc (09022015). Collection method: clinical testing. Allele origin: germline.
Comment: This sequence change replaces alanine, which is neutral and non-polar, with valine, which is neutral and non-polar, at codon 237 of the DES protein (p.Ala237Val). This variant is present in population databases (rs374144840, gnomAD 0.0009%). This variant has not been reported in the literature in individuals affected with DES-related conditions. ClinVar contains an entry for this variant (Variation ID: 2147095). Invitae Evidence Modeling of protein sequence and biophysical properties (such as structural, functional, and spatial information, amino acid conservation, physicochemical variation, residue mobility, and thermodynamic stability) has been performed for this missense variant. However, the output from this modeling did not meet the statistical confidence thresholds required to predict the impact of this variant on DES protein function. In summary, the available evidence is currently insufficient to determine the role of this variant in disease. Therefore, it has been classified as a Variant of Uncertain Significance.

Ambry Genetics
Classification: Uncertain significance for Cardiovascular phenotype. Last evaluated: 2023-05-27. Review status: criteria provided, single submitter. Criteria: Ambry Variant Classification Scheme 2023. Collection method: clinical testing. Allele origin: germline.
Comment: The p.A237V variant (also known as c.710C>T), located in coding exon 3 of the DES gene, results from a C to T substitution at nucleotide position 710. The alanine at codon 237 is replaced by valine, an amino acid with similar properties. This alteration has been reported in a sudden infant death syndrome cohort with limited clinical details and additional alterations in other cardiac-related genes identified (Santori M et al. Arch Dis Child, 2015 Oct;100:952-6). This amino acid position is highly conserved in available vertebrate species. In addition, the in silico prediction for this alteration is inconclusive. Since supporting evidence is limited at this time, the clinical significance of this alteration remains unclear.

Literature cited by the submitters: PubMed 26272908 (cited by Ambry Genetics).